The following is an entry in ClinVar:

ClinVar aggregate classification (germline): Uncertain significance. Review status: criteria provided, multiple submitters, no conflicts (2 of 4 stars). 2 submissions from 2 submitters: Uncertain significance (2). Last evaluated 2023-11-02.

Conditions:
Malignant hyperthermia, susceptibility to, 1 (MHS1). Also called: Anesthesia related hyperthermia; Malignant hyperpyrexia; Fulminating hyperpyrexia; Pharmacogenic myopathy; RYR1-Related Malignant Hyperthermia Susceptibility; Malignant hyperthermia suceptibility 1. Identifiers: Orphanet 423, MedGen C2930980, MONDO:0007783, OMIM 145600.

Submissions (2):

All of Us Research Program, National Institutes of Health
Classification: Uncertain significance for Malignant hyperthermia, susceptibility to, 1. Last evaluated: 2023-11-02. Review status: criteria provided, single submitter. Criteria: ACMG Guidelines, 2015. Collection method: clinical testing. Allele origin: germline. Inheritance: Autosomal dominant inheritance. Observed: 1 variant allele, 1 heterozygote.
Comment: This variant causes a T to G nucleotide substitution at the -13 position of intron 99 of the RYR1 gene. To our knowledge, functional studies have not been reported for this variant. This variant has not been reported in individuals affected with RYR1-related disorders in the literature. This variant has not been identified in the general population by the Genome Aggregation Database (gnomAD). The available evidence is insufficient to determine the role of this variant in disease conclusively. Therefore, this variant is classified as a Variant of Uncertain Significance.

This study involves interpretation of variants in research participants for the purpose of population health screening. Participant phenotype was not available at the time of variant classification. Additional details can be found in publication PMID: 35346344, PMCID: PMC8962531

Color Diagnostics, LLC DBA Color Health
Classification: Uncertain significance for Malignant hyperthermia, susceptibility to, 1. Last evaluated: 2023-10-12. Review status: criteria provided, single submitter. Criteria: ACMG Guidelines, 2015. Collection method: clinical testing. Allele origin: germline.
Comment: This variant causes a T to G nucleotide substitution at the -13 position of intron 99 of the RYR1 gene. To our knowledge, functional studies have not been reported for this variant. This variant has not been reported in individuals affected with RYR1-related disorders in the literature. This variant has not been identified in the general population by the Genome Aggregation Database (gnomAD). The available evidence is insufficient to determine the role of this variant in disease conclusively. Therefore, this variant is classified as a Variant of Uncertain Significance.

NM_000540.3(RYR1):c.14365-13T>G

Gene: RYR1 (ryanodine receptor 1; plus strand). Cytogenetic location: 19q13.2.
Variant type: single nucleotide variant.
Coding change: c.14365-13T>G on transcript NM_000540.3 (MANE Select); 13 bases into the intron before coding-DNA position 14365, T replaced by G.
Molecular consequence: intron variant.
Genome position (GRCh38, 1-based): chr19:38,579,969, T>G. VCF-style: chr19-38579969-T-G. GRCh37 (hg19) VCF-style: chr19-39070609-T-G.
Other names: c.14350-13T>G (NM_001042723.2).
Identifiers: ClinVar variation 3074403 (VCV003074403.2), dbSNP rs2514748160, ClinGen allele CA2825002803.
Genomic context (GRCh38, chr19:38,579,969, plus strand): 5'-TGGCCCCTACCCTCCAGAGTGCTCCTCGTGTGTCCCTGCCTTCCCCCTGACCCCTGGCCC[T>G]GTGTGCCCACAGTCCTTCCTGTACCTGGGCTGGTATATGGTGATGTCCCTCTTGGGACAC-3'